The following is an entry in ClinVar:

NM_032436.4(CHAMP1):c.679C>G (p.Pro227Ala)

Gene: CHAMP1 (chromosome alignment maintaining phosphoprotein 1; plus strand). Cytogenetic location: 13q34.
Variant type: single nucleotide variant.
Coding change: c.679C>G on transcript NM_032436.4 (MANE Select); coding-DNA position 679, C replaced by G.
Protein change: p.Pro227Ala; replaces proline 227 with alanine.
Molecular consequence: missense variant.
Genome position (GRCh38, 1-based): chr13:114,324,521, C>G. VCF-style: chr13-114324521-C-G. GRCh37 (hg19) VCF-style: chr13-115089996-C-G.
Other names: c.679C>G, p.Pro227Ala (NM_001164144.3, NM_001164145.3); short protein forms P227A.
Identifiers: ClinVar variation 1313248 (VCV001313248.2), dbSNP rs2139419169, ClinGen allele CA388846896.

ClinVar aggregate classification (germline): Uncertain significance (1 of 4 stars; one submission).

Submission:

GeneDx
Classification: Uncertain significance. Last evaluated: 2020-11-18. Review status: criteria provided, single submitter. Criteria: GeneDx Variant Classification Process June 2021. Collection method: clinical testing. Allele origin: germline. Affected: yes.
Comment: Not observed in large population cohorts (Lek et al., 2016); In silico analysis supports that this missense variant has a deleterious effect on protein structure/function; Has not been previously published as pathogenic or benign to our knowledge